The following is an entry in ClinVar:

NM_207122.2(EXT2):c.795C>G (p.Tyr265Ter)

Gene: EXT2 (exostosin glycosyltransferase 2; plus strand). Cytogenetic location: 11p11.2.
Variant type: single nucleotide variant.
Coding change: c.795C>G on transcript NM_207122.2 (MANE Select); coding-DNA position 795, C replaced by G.
Protein change: p.Tyr265Ter; replaces tyrosine 265 with a stop codon.
Molecular consequence: nonsense.
Genome position (GRCh38, 1-based): chr11:44,124,840, C>G. VCF-style: chr11-44124840-C-G. GRCh37 (hg19) VCF-style: chr11-44146390-C-G.
Other names: c.894C>G, p.Tyr298Ter (NM_000401.3); c.795C>G, p.Tyr265Ter (NM_001178083.3, NM_001389628.1, NM_001389630.1); short protein forms Y265*, Y298*.
Identifiers: ClinVar variation 1707356 (VCV001707356.2), dbSNP rs762073822, ClinGen allele CA380166980.

ClinVar aggregate classification (germline): Pathogenic (1 of 4 stars; one submission).

gnomAD v4.1: 1 of 1,614,098 alleles (0.000062%); highest among the groups gnomAD compares: Non-Finnish European, 0.000085%; no homozygotes.

Submission:

GeneDx
Classification: Pathogenic. Last evaluated: 2022-03-23. Review status: criteria provided, single submitter. Criteria: GeneDx Variant Classification Process June 2021. Collection method: clinical testing. Allele origin: germline. Affected: yes.
Comment: Nonsense variant predicted to result in protein truncation or nonsense mediated decay in a gene for which loss of function is a known mechanism of disease; Not observed at significant frequency in large population cohorts (gnomAD); This variant is associated with the following publications: (PMID: 25525159, 33726816, 17041877)